The following is an entry in ClinVar:

NM_005898.5(CAPRIN1):c.977C>A (p.Ser326Ter)

Gene: CAPRIN1 (cell cycle associated protein 1; plus strand). Cytogenetic location: 11p13.
Variant type: single nucleotide variant.
Coding change: c.977C>A on transcript NM_005898.5 (MANE Select); coding-DNA position 977, C replaced by A.
Protein change: p.Ser326Ter; replaces serine 326 with a stop codon.
Molecular consequence: nonsense.
Genome position (GRCh38, 1-based): chr11:34,086,074, C>A. VCF-style: chr11-34086074-C-A. GRCh37 (hg19) VCF-style: chr11-34107621-C-A.
Other names: c.977C>A, p.Ser326Ter (NM_203364.3); short protein forms S326*.
Identifiers: ClinVar variation 1809826 (VCV001809826.2), dbSNP rs2496078103, ClinGen allele CA380028615.
Genomic context (GRCh38, chr11:34,086,074, plus strand): 5'-GGAGCTTTTTTGCTCTCCTATTCCTTCTAATCCTTTTTTTTCTACCTTAGGTGGTAAATT[C>A]ACTCCAGCAGCAACCTCAGGCTGCATCCCCTTCAGTACCAGAGCCCCACTCTTTGACTCC-3'

ClinVar aggregate classification (germline): Pathogenic (1 of 4 stars; one submission).

Submission:

GeneDx
Classification: Pathogenic. Last evaluated: 2024-04-04. Review status: criteria provided, single submitter. Criteria: GeneDx Variant Classification Process June 2021. Collection method: clinical testing. Allele origin: germline. Affected: yes.
Comment: Nonsense variant predicted to result in protein truncation or nonsense mediated decay in a gene for which loss of function is a known mechanism of disease; Not observed at significant frequency in large population cohorts (gnomAD); Has not been previously published as pathogenic or benign to our knowledge